The following is an entry in ClinVar:

NM_000465.4(BARD1):c.1286A>T (p.Glu429Val)

Gene: BARD1 (BRCA1 associated RING domain 1; minus strand). Cytogenetic location: 2q35.
Variant type: single nucleotide variant.
Coding change: c.1286A>T on transcript NM_000465.4 (MANE Select); coding-DNA position 1286, A replaced by T.
Protein change: p.Glu429Val; replaces glutamic acid 429 with valine.
Molecular consequence: missense variant. On other transcripts: non-coding transcript variant (2), intron variant (3).
Genome position (GRCh38, 1-based): chr2:214,780,588, T>A on the plus strand (A>T on the coding strand, the complement: BARD1 is on the minus strand). VCF-style: chr2-214780588-T-A. GRCh37 (hg19) VCF-style: chr2-215645312-T-A.
Other names: c.1229A>T, p.Glu410Val (NM_001282543.2); c.159-28033A>T (NM_001282548.2); c.215+16473A>T (NM_001282545.2); c.364+11709A>T (NM_001282549.2); short protein forms E410V, E429V.
Identifiers: ClinVar variation 3231764 (VCV003231764.1), dbSNP rs1559423277, ClinGen allele CA350453373.
Genomic context (GRCh38, chr2:214,780,588, plus strand): 5'-TCTGAGATGGTATTTCAGAGTAAGCATCCTACCTTAATAGAAGCAATATGGAGCAAAGTC[T>A]CTCCTCTATGATTTCTTTTCACAGCCATATTGGGCAACAGCTTCATTGCTGAGGGACTAG-3'
Protein context (NP_000456.2, residues 419-439): NMAVKRNHRG[Glu429Val]TLLHIASIKG

ClinVar aggregate classification (germline): Uncertain significance (1 of 4 stars; one submission).

Conditions:
Hereditary cancer-predisposing syndrome. Also called: Neoplastic Syndromes, Hereditary; Tumor predisposition; Hereditary neoplastic syndrome; Hereditary Cancer Syndrome. Identifiers: Orphanet 140162, MedGen C0027672, MeSH D009386, MONDO:0015356.

Submission:

Ambry Genetics
Classification: Uncertain significance for Hereditary cancer-predisposing syndrome. Last evaluated: 2023-09-28. Review status: criteria provided, single submitter. Criteria: Ambry Variant Classification Scheme 2023. Collection method: clinical testing. Allele origin: germline.
Comment: The p.E429V variant (also known as c.1286A>T), located in coding exon 4 of the BARD1 gene, results from an A to T substitution at nucleotide position 1286. The glutamic acid at codon 429 is replaced by valine, an amino acid with dissimilar properties. This amino acid position is conserved. In addition, the in silico prediction for this alteration is inconclusive. Since supporting evidence is limited at this time, the clinical significance of this alteration remains unclear.